The following is an entry in ClinVar:

NM_001042492.3(NF1):c.1051G>T (p.Val351Phe)

Gene: NF1 (neurofibromin 1; plus strand). Cytogenetic location: 17q11.2.
Variant type: single nucleotide variant.
Coding change: c.1051G>T on transcript NM_001042492.3 (MANE Select); coding-DNA position 1051, G replaced by T.
Protein change: p.Val351Phe; replaces valine 351 with phenylalanine.
Molecular consequence: missense variant.
Genome position (GRCh38, 1-based): chr17:31,200,584, G>T. VCF-style: chr17-31200584-G-T. GRCh37 (hg19) VCF-style: chr17-29527602-G-T.
Other names: c.1051G>T, p.Val351Phe (NM_000267.4, NM_001128147.3); short protein forms V351F.
Identifiers: ClinVar variation 822079 (VCV000822079.5), dbSNP rs1597681173, ClinGen allele CA398996504.

ClinVar aggregate classification (germline): Uncertain significance (1 of 4 stars; one submission).

Conditions:
Cardiovascular phenotype. Identifiers: MedGen CN230736.
Hereditary cancer-predisposing syndrome. Also called: Tumor predisposition; Hereditary Cancer Syndrome; Neoplastic Syndromes, Hereditary; Hereditary neoplastic syndrome. Identifiers: Orphanet 140162, MedGen C0027672, MeSH D009386, MONDO:0015356.

Submission:

Ambry Genetics
Classification: Uncertain significance for Cardiovascular phenotype; Hereditary cancer-predisposing syndrome. Last evaluated: 2022-11-14. Review status: criteria provided, single submitter. Criteria: Ambry Variant Classification Scheme 2023. Collection method: clinical testing. Allele origin: germline.
Comment: The p.V351F variant (also known as c.1051G>T), located in coding exon 9 of the NF1 gene, results from a G to T substitution at nucleotide position 1051. The valine at codon 351 is replaced by phenylalanine, an amino acid with highly similar properties. This amino acid position is well conserved in available vertebrate species. In addition, this alteration is predicted to be tolerated by in silico analysis. Since supporting evidence is limited at this time, the clinical significance of this alteration remains unclear.